The following is an entry in ClinVar:

ClinVar aggregate classification (germline): Uncertain significance (1 of 4 stars; one submission).

Conditions:
Familial hypobetalipoproteinemia 1. Also called: APOB-Related Familial Hypobetalipoproteinemia; Hypobetalipoproteinemia, normotriglyceridemic; Acanthocytosis with hypobetalipoproteinemia. Identifiers: MedGen C4551990, MONDO:0014252, OMIM 615558.
Hypercholesterolemia, autosomal dominant, type B (FHCL2). Also called: APOB-Related Familial Hypercholesterolemia, Autosomal Dominant; Familial hypercholesterolemia 2; Familial Hypercholesterolemia Type B; APOLIPOPROTEIN B-100, FAMILIAL DEFECTIVE; APOLIPOPROTEIN B-100, FAMILIAL LIGAND-DEFECTIVE; HYPERCHOLESTEROLEMIA, FAMILIAL, DUE TO LIGAND-DEFECTIVE APOLIPOPROTEIN B. Identifiers: MedGen C1704417, MONDO:0007751, OMIM 144010.

gnomAD v4.1: 19 of 1,613,616 alleles (0.0012%); highest among the groups gnomAD compares: East Asian, 0.0022%; no homozygotes.

Submission:

Labcorp Genetics (formerly Invitae), Labcorp
Classification: Uncertain significance for Familial hypobetalipoproteinemia 1; Hypercholesterolemia, autosomal dominant, type B. Last evaluated: 2025-03-19. Review status: criteria provided, single submitter. Criteria: Invitae Variant Classification Sherloc (09022015). Collection method: clinical testing. Allele origin: germline.
Comment: This sequence change replaces threonine, which is neutral and polar, with isoleucine, which is neutral and non-polar, at codon 2411 of the APOB protein (p.Thr2411Ile). This variant is present in population databases (rs752133513, gnomAD 0.0009%). This variant has not been reported in the literature in individuals affected with APOB-related conditions. Invitae Evidence Modeling of protein sequence and biophysical properties (such as structural, functional, and spatial information, amino acid conservation, physicochemical variation, residue mobility, and thermodynamic stability) indicates that this missense variant is not expected to disrupt APOB protein function with a negative predictive value of 95%. In summary, the available evidence is currently insufficient to determine the role of this variant in disease. Therefore, it has been classified as a Variant of Uncertain Significance.

NM_000384.3(APOB):c.7232C>T (p.Thr2411Ile)

Gene: APOB (apolipoprotein B; minus strand). Cytogenetic location: 2p24.1.
Variant type: single nucleotide variant.
Coding change: c.7232C>T on transcript NM_000384.3 (MANE Select); coding-DNA position 7232, C replaced by T.
Protein change: p.Thr2411Ile; replaces threonine 2411 with isoleucine.
Molecular consequence: missense variant.
Genome position (GRCh38, 1-based): chr2:21,009,636, G>A on the plus strand (C>T on the coding strand, the complement: APOB is on the minus strand). VCF-style: chr2-21009636-G-A. GRCh37 (hg19) VCF-style: chr2-21232508-G-A.
Other names: short protein forms T2411I.
Identifiers: ClinVar variation 4790020 (VCV004790020.1).